The following is an entry in ClinVar:

ClinVar aggregate classification (germline): Conflicting classifications of pathogenicity. Review status: criteria provided, conflicting classifications (1 of 4 stars). 6 submissions from 6 submitters: Uncertain significance (4); Likely benign (2). Last evaluated 2026-01-19.

Conditions:
Inborn genetic diseases. Identifiers: MedGen C0950123, MeSH D030342.
Joubert syndrome 3 (JBTS3). Also called: AHI1-related Ciliopathy. Identifiers: Orphanet 220493, MedGen C1837713, MONDO:0012078, OMIM 608629.
AHI1-related disorder. Also called: AHI1-related condition.
Joubert syndrome. Also called: Familial aplasia of the vermis; JOUBERT-BOLTSHAUSER SYNDROME. Identifiers: Orphanet 475, MedGen C5979921, MONDO:0018772.

Allele frequency attached by ClinVar (database versions not stated): ExAC 0.00001; gnomAD exomes 0.00002; gnomAD 0.00006; TOPMed 0.00008.
gnomAD v4.1: 36 of 1,608,872 alleles (0.0022%); highest among the groups gnomAD compares: African/African-American, 0.027%; 1 homozygote.

Submissions (6):

Labcorp Genetics (formerly Invitae), Labcorp
Classification: Likely benign for Joubert syndrome. Last evaluated: 2026-01-19. Review status: criteria provided, single submitter. Criteria: Invitae Variant Classification Sherloc (09022015). Collection method: clinical testing. Allele origin: germline.

PreventionGenetics, part of Exact Sciences
Classification: Uncertain significance for AHI1-related condition. Last evaluated: 2025-10-08. Review status: criteria provided, single submitter. Criteria: ACMG Guidelines, 2015. Collection method: clinical testing. Allele origin: germline.
Comment: The AHI1 c.1892G>A variant is predicted to result in the amino acid substitution p.Arg631Gln. To our knowledge, this variant has not been reported in the literature. This variant is reported in 0.030% of alleles in individuals of African descent in gnomAD. At this time, the clinical significance of this variant is uncertain due to the absence of conclusive functional and genetic evidence.

Ambry Genetics
Classification: Uncertain significance for Inborn genetic diseases. Last evaluated: 2025-03-15. Review status: criteria provided, single submitter. Criteria: Ambry Variant Classification Scheme 2023. Collection method: clinical testing. Allele origin: germline.

Fulgent Genetics
Classification: Likely benign for Joubert syndrome 3. Last evaluated: 2024-03-05. Review status: criteria provided, single submitter. Criteria: ACMG Guidelines, 2015. Collection method: clinical testing. Allele origin: germline.

Blueprint Genetics
Classification: Uncertain significance. Last evaluated: 2024-03-04. Review status: criteria provided, single submitter. Criteria: ACMG Guidelines, 2015. Collection method: clinical testing. Allele origin: germline.

Breakthrough Genomics
Classification: Uncertain significance. Review status: criteria provided, single submitter. Criteria: ACMG Guidelines, 2015. Collection method: not provided. Allele origin: germline. Inheritance: Autosomal recessive inheritance. Affected: yes.

NM_001134831.2(AHI1):c.1892G>A (p.Arg631Gln)

Gene: AHI1 (Abelson helper integration site 1; minus strand). Cytogenetic location: 6q23.3.
Variant type: single nucleotide variant.
Coding change: c.1892G>A on transcript NM_001134831.2 (MANE Select); coding-DNA position 1892, G replaced by A.
Protein change: p.Arg631Gln; replaces arginine 631 with glutamine.
Molecular consequence: missense variant.
Genome position (GRCh38, 1-based): chr6:135,442,602, C>T on the plus strand (G>A on the coding strand, the complement: AHI1 is on the minus strand). VCF-style: chr6-135442602-C-T. GRCh37 (hg19) VCF-style: chr6-135763740-C-T.
Other names: c.1892G>A, p.Arg631Gln (NM_001134830.2, NM_001134832.2, NM_001350503.2 and 2 more transcripts); c.1892G>A (NM_017651.4); short protein forms R631Q.
Identifiers: ClinVar variation 1397931 (VCV001397931.11), dbSNP rs780823419, ClinGen allele CA4012486.